The following is an entry in ClinVar:

NM_032603.5(LOXL3):c.219C>G (p.Asp73Glu)

Genes: LOXL3 (lysyl oxidase like 3; minus strand), DOK1 (docking protein 1; plus strand). Cytogenetic location: 2p13.1.
Variant type: single nucleotide variant.
Coding change: c.219C>G on transcript NM_032603.5 (MANE Select); coding-DNA position 219, C replaced by G.
Protein change: p.Asp73Glu; replaces aspartic acid 73 with glutamic acid.
Molecular consequence: missense variant. On other transcripts: intron variant (1).
Genome position (GRCh38, 1-based): chr2:74,552,416, G>C on the plus strand (C>G on the coding strand, the complement: LOXL3 is on the minus strand). VCF-style: chr2-74552416-G-C. GRCh37 (hg19) VCF-style: chr2-74779543-G-C.
Other names: c.219C>G, p.Asp73Glu (NM_001289164.3); c.-357-2738G>C (NM_001197260.2); short protein forms D73E.
Identifiers: ClinVar variation 2092428 (VCV002092428.5), dbSNP rs1677073530, ClinGen allele CA347397111.

ClinVar aggregate classification (germline): Uncertain significance. Review status: criteria provided, multiple submitters, no conflicts (2 of 4 stars). 2 submissions from 2 submitters: Uncertain significance (2). Last evaluated 2025-04-12.

Allele frequency attached by ClinVar (database versions not stated): gnomAD exomes 0.00001; gnomAD 0.00001; TOPMed 0.00001.
gnomAD v4.1: 9 of 1,613,698 alleles (0.00056%); highest among the groups gnomAD compares: African/African-American, 0.0013%; no homozygotes.

Submissions (2):

Ambry Genetics
Classification: Uncertain significance. Last evaluated: 2025-04-12. Review status: criteria provided, single submitter. Criteria: Ambry Variant Classification Scheme 2023. Collection method: clinical testing. Allele origin: germline.

Labcorp Genetics (formerly Invitae), Labcorp
Classification: Uncertain significance. Last evaluated: 2022-06-16. Review status: criteria provided, single submitter. Criteria: Invitae Variant Classification Sherloc (09022015). Collection method: clinical testing. Allele origin: germline.
Comment: This variant is not present in population databases (gnomAD no frequency). In summary, the available evidence is currently insufficient to determine the role of this variant in disease. Therefore, it has been classified as a Variant of Uncertain Significance. Algorithms developed to predict the effect of sequence changes on RNA splicing suggest that this variant may disrupt the consensus splice site. Algorithms developed to predict the effect of missense changes on protein structure and function (SIFT, PolyPhen-2, Align-GVGD) all suggest that this variant is likely to be disruptive. This variant has not been reported in the literature in individuals affected with LOXL3-related conditions. This sequence change replaces aspartic acid, which is acidic and polar, with glutamic acid, which is acidic and polar, at codon 73 of the LOXL3 protein (p.Asp73Glu).